The following is an entry in ClinVar:

ClinVar aggregate classification (germline): Pathogenic (1 of 4 stars; one submission).

Conditions:
Bloom syndrome (BLM). Also called: Bloom-Torre-Machacek syndrome. Identifiers: Orphanet 125, MedGen C0005859, MONDO:0008876, OMIM 210900.

Submission:

Myriad Genetics, Inc.
Classification: Pathogenic for Bloom syndrome. Last evaluated: 2026-06-04. Review status: criteria provided, single submitter. Criteria: Myriad Autosomal Dominant, Autosomal Recessive and X-Linked Classification Criteria (2023). Collection method: clinical testing. Allele origin: unknown.
Comment: This variant is considered pathogenic. This variant creates a frameshift predicted to result in premature protein truncation.

NM_000057.4(BLM):c.507del (p.Phe169fs)

Gene: BLM (BLM RecQ like helicase; plus strand). Cytogenetic location: 15q26.1.
Variant type: Deletion.
Coding change: c.507del on transcript NM_000057.4 (MANE Select); coding-DNA position 507, one base deleted (T; older notation c.507delT).
Protein change: p.Phe169fs; shifts the reading frame from phenylalanine 169.
Molecular consequence: frameshift variant. On other transcripts: 5 prime UTR variant (1).
Genome position (GRCh38, 1-based): chr15:90,749,775, T deleted; the last of 3 consecutive T bases (chr15:90,749,773-90,749,775); deleting any one gives the same sequence. VCF-style (leftmost placement, unchanged base first): chr15-90749772-AT-A. GRCh37 (hg19) VCF-style: chr15-91293002-AT-A.
Other names: c.507del, p.Phe169fs (NM_001287246.2, NM_001287247.2); c.-785del (NM_001287248.2); short protein forms F169fs.
Identifiers: ClinVar variation 4876111 (VCV004876111.1).
Genomic context (GRCh38, chr15:90,749,772, plus strand): 5'-AAGTACCATCAATGATTGGGATGATATGGATGACTTTGATACTTCTGAGACTTCAAAATC[AT>A]TTGTTACACCACCCCAAAGTCACTTTGTAAGAGTAAGCACTGCTCAGAAATCAAAAAAGG-3'